The following is an entry in ClinVar:

NC_000013.10:g.(?_100861566)_(100962182_?)del

Gene: PCCA (propionyl-CoA carboxylase subunit alpha; plus strand). Cytogenetic location: 13q32.3.
Variant type: Deletion.
Identifiers: ClinVar variation 3244151 (VCV003244151.1).

ClinVar aggregate classification (germline): Pathogenic (1 of 4 stars; one submission).

Conditions:
Propionic acidemia (PROP). Also called: GLYCINEMIA, KETOTIC; HYPERGLYCINEMIA WITH KETOACIDOSIS AND LEUKOPENIA; KETOTIC HYPERGLYCINEMIA. Identifiers: Orphanet 35, MedGen C0268579, MONDO:0011628, OMIM 606054, HP:0003571.

Submission:

Labcorp Genetics (formerly Invitae), Labcorp
Classification: Pathogenic for Propionic acidemia. Last evaluated: 2023-07-18. Review status: criteria provided, single submitter. Criteria: Invitae Variant Classification Sherloc (09022015). Collection method: clinical testing. Allele origin: unknown.
Comment: For these reasons, this variant has been classified as Pathogenic. This variant has not been reported in the literature in individuals affected with PCCA-related conditions. This variant is a gross deletion of the genomic region encompassing exon(s) 7-16 of the PCCA gene. This deletion is out-of-frame, and is expected to create a premature termination codon and result in an absent or disrupted protein product. Loss-of-function variants in PCCA are known to be pathogenic (PMID: 15464417).

Literature cited by the submitters: PubMed 15464417.